The following is an entry in ClinVar:

NM_000372.5(TYR):c.880G>A (p.Glu294Lys)

Gene: TYR (tyrosinase; plus strand). Cytogenetic location: 11q14.3.
Variant type: single nucleotide variant.
Coding change: c.880G>A on transcript NM_000372.5 (MANE Select); coding-DNA position 880, G replaced by A.
Protein change: p.Glu294Lys; replaces glutamic acid 294 with lysine.
Molecular consequence: missense variant.
Genome position (GRCh38, 1-based): chr11:89,191,262, G>A. VCF-style: chr11-89191262-G-A. GRCh37 (hg19) VCF-style: chr11-88924430-G-A.
Other names: short protein forms E294K.
Identifiers: ClinVar variation 437177 (VCV000437177.21), dbSNP rs757754120, ClinGen allele CA6221247.

ClinVar aggregate classification (germline): Pathogenic/Likely pathogenic. Review status: criteria provided, multiple submitters, no conflicts (2 of 4 stars). 7 submissions from 7 submitters: Pathogenic (5); Likely pathogenic (2). Last evaluated 2025-12-03.

Conditions:
TYR-related disorder. Also called: TYR-related condition.
Oculocutaneous albinism type 1B (OCA1B). Also called: ALBINISM, OCULOCUTANEOUS, TYPE IB; ALBINISM, YELLOW MUTANT TYPE; YELLOW ALBINISM. Identifiers: Orphanet 352731, Orphanet 352737, Orphanet 79434, MedGen C1847024, MONDO:0011749, OMIM 606952.
SKIN/HAIR/EYE PIGMENTATION 3, LIGHT/DARK SKIN (SHEP3). Also called: SKIN/HAIR/EYE PIGMENTATION, VARIATION IN, 3; SKIN/HAIR/EYE PIGMENTATION 3, BLUE/GREEN EYE COLOR; SKIN/HAIR/EYE PIGMENTATION 3, FRECKLING; EYE COLOR 1; EYE COLOR, GREEN/BLUE. Identifiers: MedGen C2677190, OMIM 601800.
Oculocutaneous albinism type 1A (OCA1A). Also called: Albinism, oculocutaneous, type IA. Identifiers: Orphanet 352731, Orphanet 79431, MedGen C4551504, MONDO:0008745, OMIM 203100. Disease mechanism: loss of function.

Allele frequency attached by ClinVar (database versions not stated): TOPMed below 0.00001; gnomAD 0.00001; gnomAD exomes 0.00001 and 0.00003; ExAC 0.00002.
gnomAD v4.1: 26 of 1,613,420 alleles (0.0016%); highest among the groups gnomAD compares: Admixed American, 0.0033%; no homozygotes.

Submissions (7):

Labcorp Genetics (formerly Invitae), Labcorp
Classification: Pathogenic. Last evaluated: 2025-12-03. Review status: criteria provided, single submitter. Criteria: Invitae Variant Classification Sherloc (09022015). Collection method: clinical testing. Allele origin: germline.
Comment: This sequence change replaces glutamic acid, which is acidic and polar, with lysine, which is basic and polar, at codon 294 of the TYR protein (p.Glu294Lys). This variant is present in population databases (rs757754120, gnomAD 0.004%). This missense change has been observed in individual(s) with oculocutaneous albinism type 1A (PMID: 8128955, 10987646). In at least one individual the data is consistent with being in trans (on the opposite chromosome) from a pathogenic variant. ClinVar contains an entry for this variant (Variation ID: 437177). Invitae Evidence Modeling of protein sequence and biophysical properties (such as structural, functional, and spatial information, amino acid conservation, physicochemical variation, residue mobility, and thermodynamic stability) indicates that this missense variant is expected to disrupt TYR protein function with a positive predictive value of 95%. This variant disrupts the p.Glu294 amino acid residue in TYR. Other variant(s) that disrupt this residue have been determined to be pathogenic (internal data). This suggests that this residue is clinically significant, and that variants that disrupt this residue are likely to be disease-causing. For these reasons, this variant has been classified as Pathogenic.

Baylor Genetics
Classification: Pathogenic for SKIN/HAIR/EYE PIGMENTATION 3, LIGHT/DARK SKIN. Last evaluated: 2024-03-29. Review status: criteria provided, single submitter. Criteria: ACMG Guidelines, 2015. Collection method: clinical testing. Allele origin: unknown.

Fulgent Genetics
Classification: Likely pathogenic for Oculocutaneous albinism type 1A; SKIN/HAIR/EYE PIGMENTATION 3, LIGHT/DARK SKIN; Oculocutaneous albinism type 1B. Last evaluated: 2024-01-03. Review status: criteria provided, single submitter. Criteria: ACMG Guidelines, 2015. Collection method: clinical testing. Allele origin: germline.

Blueprint Genetics
Classification: Pathogenic for TYR-related disorders. Last evaluated: 2023-12-14. Review status: criteria provided, single submitter. Criteria: ACMG Guidelines, 2015. Collection method: clinical testing. Allele origin: germline. Affected: yes. Observed: 3 variant alleles.

Genome-Nilou Lab
Classification: Pathogenic for Oculocutaneous albinism type 1A. Last evaluated: 2021-07-22. Review status: criteria provided, single submitter. Criteria: ACMG Guidelines, 2015. Collection method: clinical testing. Allele origin: germline. Affected: no.

GeneDx
Classification: Likely pathogenic. Last evaluated: 2019-06-06. Review status: criteria provided, single submitter. Criteria: GeneDx Variant Classification Process June 2021. Collection method: clinical testing. Allele origin: germline. Affected: yes.
Comment: In silico analysis, which includes protein predictors and evolutionary conservation, supports a deleterious effect; This variant is associated with the following publications: (PMID: 31589614, 25577957, 10987646, 11295837, 8128955, 18463683, 13680365, 30868138, 19626598, 29781739)

Genetic Services Laboratory, University of Chicago
Classification: Pathogenic for Albinism, oculocutaneous, type IA. Last evaluated: 2016-03-15. Review status: criteria provided, single submitter. Criteria: ACMG Guidelines, 2015. Collection method: clinical testing. Allele origin: germline. Affected: yes.

Literature cited by the submitters: PubMed 8128955 (cited by Labcorp Genetics (formerly Invitae), Labcorp); PubMed 10987646 (cited by Labcorp Genetics (formerly Invitae), Labcorp).